The following is an entry in ClinVar:

NM_000465.4(BARD1):c.1463A>G (p.Asn488Ser)

Gene: BARD1 (BRCA1 associated RING domain 1; minus strand). Cytogenetic location: 2q35.
Variant type: single nucleotide variant.
Coding change: c.1463A>G on transcript NM_000465.4 (MANE Select); coding-DNA position 1463, A replaced by G.
Protein change: p.Asn488Ser; replaces asparagine 488 with serine.
Molecular consequence: missense variant. On other transcripts: non-coding transcript variant (3), intron variant (3).
Genome position (GRCh38, 1-based): chr2:214,767,587, T>C on the plus strand (A>G on the coding strand, the complement: BARD1 is on the minus strand). VCF-style: chr2-214767587-T-C. GRCh37 (hg19) VCF-style: chr2-215632311-T-C.
Other names: c.1463A>G (NM_000465.2); c.1406A>G, p.Asn469Ser (NM_001282543.2); c.159-15032A>G (NM_001282548.2); c.216-15032A>G (NM_001282545.2); c.364+24710A>G (NM_001282549.2); short protein forms N488S, N469S.
Identifiers: ClinVar variation 374093 (VCV000374093.59), dbSNP rs1057518894, ClinGen allele CA16043384.

ClinVar aggregate classification (germline): Uncertain significance. Review status: criteria provided, multiple submitters, no conflicts (2 of 4 stars). 5 submissions from 5 submitters: Uncertain significance (5). Last evaluated 2025-06-19.

Conditions:
Hereditary cancer. Identifiers: MedGen C1333600.
Hereditary cancer-predisposing syndrome. Also called: Tumor predisposition; Hereditary Cancer Syndrome; Hereditary neoplastic syndrome; Neoplastic Syndromes, Hereditary. Identifiers: Orphanet 140162, MedGen C0027672, MeSH D009386, MONDO:0015356.
Familial cancer of breast. Also called: Hereditary breast cancer; BREAST CANCER, FAMILIAL; hereditary breast carcinoma. Identifiers: Orphanet 227535, MedGen C0346153, MONDO:0016419, OMIM 114480. Disease mechanism: loss of function.

Allele frequency attached by ClinVar (database versions not stated): gnomAD exomes below 0.00001.
gnomAD v4.1: 2 of 1,614,084 alleles (0.00012%); highest among the groups gnomAD compares: Non-Finnish European, 0.00017%; no homozygotes.

Submissions (5):

Ambry Genetics
Classification: Uncertain significance for Hereditary cancer-predisposing syndrome. Last evaluated: 2025-06-19. Review status: criteria provided, single submitter. Criteria: Ambry Variant Classification Scheme 2023. Collection method: clinical testing. Allele origin: germline.
Comment: The p.N488S variant (also known as c.1463A>G), located in coding exon 6 of the BARD1 gene, results from an A to G substitution at nucleotide position 1463. The asparagine at codon 488 is replaced by serine, an amino acid with highly similar properties. This alteration was found to have intermediate activity in a homology-directed DNA repair (HDR) assay (Adamovich AI et al. PLoS Genet, 2019 03;15:e1008049). This amino acid position is highly conserved in available vertebrate species. In addition, the in silico prediction for this alteration is inconclusive. Since supporting evidence is limited at this time, the clinical significance of this alteration remains unclear.

Labcorp Genetics (formerly Invitae), Labcorp
Classification: Uncertain significance for Familial cancer of breast. Last evaluated: 2025-04-14. Review status: criteria provided, single submitter. Criteria: Invitae Variant Classification Sherloc (09022015). Collection method: clinical testing. Allele origin: germline.
Comment: This sequence change replaces asparagine, which is neutral and polar, with serine, which is neutral and polar, at codon 488 of the BARD1 protein (p.Asn488Ser). This variant is present in population databases (no rsID available, gnomAD 0.0009%). This variant has not been reported in the literature in individuals affected with BARD1-related conditions. ClinVar contains an entry for this variant (Variation ID: 374093). An algorithm developed to predict the effect of missense changes on protein structure and function (PolyPhen-2) suggests that this variant is likely to be disruptive. Experimental studies have shown that this missense change does not substantially affect BARD1 function (PMID: 30925164). In summary, the available evidence is currently insufficient to determine the role of this variant in disease. Therefore, it has been classified as a Variant of Uncertain Significance.

Color Diagnostics, LLC DBA Color Health
Classification: Uncertain significance for Hereditary cancer-predisposing syndrome. Last evaluated: 2019-06-19. Review status: criteria provided, single submitter. Criteria: ACMG Guidelines, 2015. Collection method: clinical testing. Allele origin: germline.

CeGaT Center for Human Genetics Tuebingen
Classification: Uncertain significance. Last evaluated: 2019-04-01. Review status: criteria provided, single submitter. Criteria: CeGaT Center For Human Genetics Tuebingen Variant Classification Criteria Version 2. Collection method: clinical testing. Allele origin: germline. Affected: yes. Observed: 2 variant alleles.

Centre for Mendelian Genomics, University Medical Centre Ljubljana
Classification: Uncertain significance for Hereditary cancer. Last evaluated: 2014-06-04. Review status: criteria provided, single submitter. Criteria: ACMG Guidelines, 2015. Collection method: clinical testing. Allele origin: unknown. Affected: yes.

Literature cited by the submitters: PubMed 30925164 (cited by Ambry Genetics and Labcorp Genetics (formerly Invitae), Labcorp).